The following is an entry in ClinVar:

NM_001693.4(ATP6V1B2):c.1516C>G (p.Arg506Gly)

Gene: ATP6V1B2 (ATPase H+ transporting V1 subunit B2; plus strand). Cytogenetic location: 8p21.3.
Variant type: single nucleotide variant.
Coding change: c.1516C>G on transcript NM_001693.4 (MANE Select); coding-DNA position 1516, C replaced by G.
Protein change: p.Arg506Gly; replaces arginine 506 with glycine.
Molecular consequence: missense variant.
Genome position (GRCh38, 1-based): chr8:20,220,382, C>G. VCF-style: chr8-20220382-C-G. GRCh37 (hg19) VCF-style: chr8-20077893-C-G.
Other names: short protein forms R506G.
Identifiers: ClinVar variation 1803330 (VCV001803330.3), dbSNP rs794729667, ClinGen allele CA370474072.

ClinVar aggregate classification (germline): Likely pathogenic. Review status: criteria provided, multiple submitters, no conflicts (2 of 4 stars). 2 submissions from 2 submitters: Likely pathogenic (2). Last evaluated 2025-01-09.

Conditions:
Autosomal dominant deafness - onychodystrophy syndrome. Also called: DDOD SYNDROME; Deafness, congenital, with onychodystrophy, autosomal dominant. Identifiers: Orphanet 3231, Orphanet 79499, MedGen C2675730, MONDO:0007420, OMIM 124480.

Submissions (2):

Institute of Rare Diseases, West China Hospital, Sichuan University
Classification: Likely pathogenic for Autosomal dominant deafness - onychodystrophy syndrome. Last evaluated: 2025-01-09. Review status: criteria provided, single submitter. Criteria: ClinGen HL ACMG Specifications v1. Collection method: research. Allele origin: germline. Affected: yes.
Comment: PS2;PM2_Supporting;PP3

GeneDx
Classification: Likely pathogenic. Last evaluated: 2023-03-08. Review status: criteria provided, single submitter. Criteria: GeneDx Variant Classification Process June 2021. Collection method: clinical testing. Allele origin: germline.
Comment: In silico analysis supports that this missense variant has a deleterious effect on protein structure/function; Not observed at significant frequency in large population cohorts (gnomAD); Has not been previously published as pathogenic or benign to our knowledge